The following is an entry in ClinVar:

NM_000540.3(RYR1):c.7274_7276del (p.Phe2425del)

Gene: RYR1 (ryanodine receptor 1; plus strand). Cytogenetic location: 19q13.2.
Variant type: Deletion.
Coding change: c.7274_7276del on transcript NM_000540.3 (MANE Select); coding-DNA positions 7274 to 7276, 3 bases deleted (TCT; older notation c.7274_7276delTCT).
Protein change: p.Phe2425del; deletes phenylalanine 2425.
Genome position (GRCh38, 1-based): chr19:38,499,967-38,499,969, TCT deleted; deleting any 3 consecutive bases within chr19:38,499,965-38,499,969 gives the same sequence; the c. name uses the placement nearest the transcript's 3' end. VCF-style (leftmost placement, unchanged base first): chr19-38499964-CCTT-C. GRCh37 (hg19) VCF-style: chr19-38990604-CCTT-C.
Other names: c.7274_7276del, p.Phe2425del (NM_001042723.2); short protein forms F2425del.
Identifiers: ClinVar variation 4757638 (VCV004757638.1).

ClinVar aggregate classification (germline): Uncertain significance (1 of 4 stars; one submission).

Conditions:
Malignant hyperthermia, susceptibility to, 1 (MHS1). Also called: RYR1-Related Malignant Hyperthermia Susceptibility; Malignant hyperthermia suceptibility 1; Anesthesia related hyperthermia; Malignant hyperpyrexia; Fulminating hyperpyrexia; Pharmacogenic myopathy. Identifiers: Orphanet 423, MedGen C2930980, MONDO:0007783, OMIM 145600.

Submission:

Color Diagnostics, LLC DBA Color Health
Classification: Uncertain significance for Malignant hyperthermia, susceptibility to, 1. Last evaluated: 2025-07-03. Review status: criteria provided, single submitter. Criteria: ACMG Guidelines, 2015. Collection method: clinical testing. Allele origin: germline.
Comment: This variant causes the deletion of 1 amino acid in exon 45 located in the RYR1 protein. To our knowledge, functional studies have not been reported for this variant. This variant has not been reported in individuals affected with RYR1-related disorders in the literature. This variant has not been identified in the general population by the Genome Aggregation Database (gnomAD). The available evidence is insufficient to determine the role of this variant in disease conclusively. Therefore, this variant is classified as a Variant of Uncertain Significance.